The following is an entry in ClinVar:

NM_000448.3(RAG1):c.776G>T (p.Ser259Ile)

Gene: RAG1 (recombination activating 1; plus strand). Cytogenetic location: 11p12.
Variant type: single nucleotide variant.
Coding change: c.776G>T on transcript NM_000448.3 (MANE Select); coding-DNA position 776, G replaced by T.
Protein change: p.Ser259Ile; replaces serine 259 with isoleucine.
Molecular consequence: missense variant.
Genome position (GRCh38, 1-based): chr11:36,574,080, G>T. VCF-style: chr11-36574080-G-T. GRCh37 (hg19) VCF-style: chr11-36595630-G-T.
Other names: c.776G>T, p.Ser259Ile (NM_001377277.1, NM_001377278.1, NM_001377279.1 and 1 more transcripts); short protein forms S259I.
Identifiers: ClinVar variation 2170636 (VCV002170636.1), dbSNP rs368279695, ClinGen allele CA5950049.

ClinVar aggregate classification (germline): Uncertain significance (1 of 4 stars; one submission).

Conditions:
Severe combined immunodeficiency, autosomal recessive, T cell-negative, B cell-negative, NK cell-positive. Also called: SCID, T CELL-NEGATIVE, B CELL-NEGATIVE, NK CELL-POSITIVE; SCID, AR, T-cell negative, B-cell negative, NK cell-positive; Severe combined immunodeficiency due to complete RAG1/2 deficiency. Identifiers: Orphanet 331206, MedGen C1832322, MONDO:0011086, OMIM 601457.
Combined immunodeficiency with skin granulomas. Identifiers: Orphanet 157949, MedGen C2673536, MONDO:0009306, OMIM 233650.

Allele frequency attached by ClinVar (database versions not stated): ExAC 0.00002; gnomAD 0.00002; TOPMed 0.00003; ESP Exome Variant Server 0.00008.
gnomAD v4.1: 4 of 1,614,062 alleles (0.00025%); highest among the groups gnomAD compares: African/African-American, 0.0053%; no homozygotes.

Submission:

Labcorp Genetics (formerly Invitae), Labcorp
Classification: Uncertain significance for Combined immunodeficiency with skin granulomas; Severe combined immunodeficiency, autosomal recessive, T cell-negative, B cell-negative, NK cell-positive. Last evaluated: 2022-09-13. Review status: criteria provided, single submitter. Criteria: Invitae Variant Classification Sherloc (09022015). Collection method: clinical testing. Allele origin: germline.
Comment: This sequence change replaces serine, which is neutral and polar, with isoleucine, which is neutral and non-polar, at codon 259 of the RAG1 protein (p.Ser259Ile). This variant is present in population databases (rs368279695, gnomAD 0.02%). This variant has not been reported in the literature in individuals affected with RAG1-related conditions. Advanced modeling of protein sequence and biophysical properties (such as structural, functional, and spatial information, amino acid conservation, physicochemical variation, residue mobility, and thermodynamic stability) performed at Invitae indicates that this missense variant is not expected to disrupt RAG1 protein function. In summary, the available evidence is currently insufficient to determine the role of this variant in disease. Therefore, it has been classified as a Variant of Uncertain Significance.